The following is an entry in ClinVar:

NM_152383.5(DIS3L2):c.1817T>C (p.Leu606Pro)

Gene: DIS3L2 (DIS3 like 3'-5' exoribonuclease 2; plus strand). Cytogenetic location: 2q37.1.
Variant type: single nucleotide variant.
Coding change: c.1817T>C on transcript NM_152383.5 (MANE Select); coding-DNA position 1817, T replaced by C.
Protein change: p.Leu606Pro; replaces leucine 606 with proline.
Molecular consequence: missense variant. On other transcripts: non-coding transcript variant (2), intron variant (1).
Genome position (GRCh38, 1-based): chr2:232,329,890, T>C. VCF-style: chr2-232329890-T-C. GRCh37 (hg19) VCF-style: chr2-233194600-T-C.
Other names: c.1582-13455T>C (NM_001257281.2); short protein forms L606P.
Identifiers: ClinVar variation 863643 (VCV000863643.9), dbSNP rs1695684558, ClinGen allele CA350976082.

ClinVar aggregate classification (germline): Uncertain significance (1 of 4 stars; one submission).

Conditions:
Perlman syndrome (PRLMNS). Identifiers: Orphanet 2849, MedGen C0796113, MONDO:0009965, OMIM 267000.

Allele frequency attached by ClinVar (database versions not stated): gnomAD exomes below 0.00001.
gnomAD v4.1: 1 of 1,559,240 alleles (0.000064%); highest among the groups gnomAD compares: Non-Finnish European, 0.000087%; no homozygotes.

Submission:

Labcorp Genetics (formerly Invitae), Labcorp
Classification: Uncertain significance for Perlman syndrome. Last evaluated: 2019-03-12. Review status: criteria provided, single submitter. Criteria: Invitae Variant Classification Sherloc (09022015). Collection method: clinical testing. Allele origin: germline.
Comment: In summary, the available evidence is currently insufficient to determine the role of this variant in disease. Therefore, it has been classified as a Variant of Uncertain Significance. Algorithms developed to predict the effect of missense changes on protein structure and function (SIFT, PolyPhen-2, Align-GVGD) all suggest that this variant is likely to be disruptive, but these predictions have not been confirmed by published functional studies and their clinical significance is uncertain. This variant has not been reported in the literature in individuals with DIS3L2-related conditions. This variant is not present in population databases (ExAC no frequency). This sequence change replaces leucine with proline at codon 606 of the DIS3L2 protein (p.Leu606Pro). The leucine residue is highly conserved and there is a moderate physicochemical difference between leucine and proline.